The following is an entry in ClinVar:

NM_172107.4(KCNQ2):c.1054T>C (p.Ser352Pro)

Gene: KCNQ2 (potassium voltage-gated channel subfamily Q member 2; minus strand). Cytogenetic location: 20q13.33.
Variant type: single nucleotide variant.
Coding change: c.1054T>C on transcript NM_172107.4 (MANE Select); coding-DNA position 1054, T replaced by C.
Protein change: p.Ser352Pro; replaces serine 352 with proline.
Molecular consequence: missense variant.
Genome position (GRCh38, 1-based): chr20:63,433,873, A>G on the plus strand (T>C on the coding strand, the complement: KCNQ2 is on the minus strand). VCF-style: chr20-63433873-A-G. GRCh37 (hg19) VCF-style: chr20-62065226-A-G.
Other names: c.1054T>C, p.Ser352Pro (NM_004518.6, NM_172106.3, NM_172108.5 and 1 more transcripts); short protein forms S352P.
Identifiers: ClinVar variation 369781 (VCV000369781.2), dbSNP rs1057516108, ClinGen allele CA10654798.

ClinVar aggregate classification (germline): not provided (0 of 4 stars; one submission).

Conditions:
Seizures, benign familial neonatal, 1. Also called: KCNQ2-Related Benign Familial Neonatal Epilepsy; Benign Neonatal Epilepsy 1; KCNQ2-Related Self-Limited Familial Neonatal Epilepsy (SLFNE); Seizures, benign neonatal, 1. Identifiers: Orphanet 1949, MedGen C3149074, MONDO:0007365, OMIM 121200.

Submission:

GeneReviews
No classification provided. Condition: Seizures, benign familial neonatal, 1. Review status: no classification provided. Collection method: literature only. Allele origin: germline. Affected: yes.
Comment: BFNE (benign familial neonatal epilepsy)

Literature cited by the submitters: PubMed 25982755; NCBI Bookshelf NBK32534.